The following is an entry in ClinVar:

NM_014476.6(PDLIM3):c.22C>G (p.Pro8Ala)

Gene: PDLIM3 (PDZ and LIM domain 3; minus strand). Cytogenetic location: 4q35.1.
Variant type: single nucleotide variant.
Coding change: c.22C>G on transcript NM_014476.6 (MANE Select); coding-DNA position 22, C replaced by G.
Protein change: p.Pro8Ala; replaces proline 8 with alanine.
Molecular consequence: missense variant. On other transcripts: non-coding transcript variant (1).
Genome position (GRCh38, 1-based): chr4:185,535,413, G>C on the plus strand (C>G on the coding strand, the complement: PDLIM3 is on the minus strand). VCF-style: chr4-185535413-G-C. GRCh37 (hg19) VCF-style: chr4-186456567-G-C.
Other names: c.22C>G, p.Pro8Ala (NM_001114107.5, NM_001257962.2, NM_001257963.2); short protein forms P8A.
Identifiers: ClinVar variation 4566491 (VCV004566491.1).

ClinVar aggregate classification (germline): Uncertain significance (1 of 4 stars; one submission).

gnomAD v4.1: 6 of 1,603,600 alleles (0.00037%); highest among the groups gnomAD compares: Admixed American, 0.0034%; no homozygotes.

Submission:

Ambry Genetics
Classification: Uncertain significance. Last evaluated: 2025-11-10. Review status: criteria provided, single submitter. Criteria: Ambry Variant Classification Scheme 2023. Collection method: clinical testing. Allele origin: germline.
Comment: The p.P8A variant (also known as c.22C>G), located in coding exon 1 of the PDLIM3 gene, results from a C to G substitution at nucleotide position 22. The proline at codon 8 is replaced by alanine, an amino acid with highly similar properties. This amino acid position is conserved. In addition, this alteration is predicted to be tolerated by in silico analysis. Based on the available evidence, the clinical significance of this variant remains unclear.